The following is an entry in ClinVar:

ClinVar aggregate classification (germline): Uncertain significance (1 of 4 stars; one submission).

Submission:

GeneDx
Classification: Uncertain significance. Last evaluated: 2022-06-13. Review status: criteria provided, single submitter. Criteria: GeneDx Variant Classification Process June 2021. Collection method: clinical testing. Allele origin: germline. Affected: yes.
Comment: Not observed at significant frequency in large population cohorts (gnomAD); In silico analysis supports that this missense variant has a deleterious effect on protein structure/function; Has not been previously published as pathogenic or benign to our knowledge; Variants in candidate genes are classified as variants of uncertain significance in accordance with ACMG guidelines (Richards et al., 2015)

NM_001256012.3(MYH10):c.4017G>C (p.Lys1339Asn)

Gene: MYH10 (myosin heavy chain 10; minus strand). Cytogenetic location: 17p13.1.
Variant type: single nucleotide variant.
Coding change: c.4017G>C on transcript NM_001256012.3 (MANE Select); coding-DNA position 4017, G replaced by C.
Protein change: p.Lys1339Asn; replaces lysine 1339 with asparagine.
Molecular consequence: missense variant.
Genome position (GRCh38, 1-based): chr17:8,495,176, C>G on the plus strand (G>C on the coding strand, the complement: MYH10 is on the minus strand). VCF-style: chr17-8495176-C-G. GRCh37 (hg19) VCF-style: chr17-8398494-C-G.
Other names: c.3951G>C, p.Lys1317Asn (NM_001256095.2); c.3954G>C, p.Lys1318Asn (NM_001375266.1); c.3924G>C, p.Lys1308Asn (NM_005964.5); short protein forms K1308N, K1317N, K1318N, K1339N.
Identifiers: ClinVar variation 1804481 (VCV001804481.1), dbSNP rs2544245655, ClinGen allele CA398033489.
Genomic context (GRCh38, chr17:8,495,176, plus strand): 5'-CCCTTGCTCCCCAGGGAATACCTGTGTATCCTGTAGTTGAGACTCAAGACTAGCTGCATC[C>G]TTAGCAAATTTAATACCCTTCTTCTCTGCTTCTTCCAGAAGGGTGGAGACATTATCTAGC-3'
Protein context (NP_001242941.1, residues 1329-1349): EAEKKGIKFA[Lys1339Asn]DAASLESQLQ